The following is an entry in ClinVar:

NM_001853.4(COL9A3):c.1181G>C (p.Gly394Ala)

Gene: COL9A3 (collagen type IX alpha 3 chain; plus strand). Cytogenetic location: 20q13.33.
Variant type: single nucleotide variant.
Coding change: c.1181G>C on transcript NM_001853.4 (MANE Select); coding-DNA position 1181, G replaced by C.
Protein change: p.Gly394Ala; replaces glycine 394 with alanine.
Molecular consequence: missense variant.
Genome position (GRCh38, 1-based): chr20:62,830,379, G>C. VCF-style: chr20-62830379-G-C. GRCh37 (hg19) VCF-style: chr20-61461731-G-C.
Other names: short protein forms G394A.
Identifiers: ClinVar variation 2090775 (VCV002090775.5), dbSNP rs2147216947, ClinGen allele CA409594493.

ClinVar aggregate classification (germline): Uncertain significance. Review status: criteria provided, multiple submitters, no conflicts (2 of 4 stars). 2 submissions from 2 submitters: Uncertain significance (2). Last evaluated 2026-08-06.

Conditions:
Intervertebral disc disorder (IDD). Also called: INTERVERTEBRAL DISC DISEASE; Lumbar disk degenerative disorder. Identifiers: MedGen C0158252, MONDO:0044339, OMIM 603932.

Submissions (2):

OLLIN Analises Genomicas, OLLIN
Classification: Uncertain significance for Intervertebral disc disorder. Last evaluated: 2026-08-06. Review status: criteria provided, single submitter. Criteria: ACMG Guidelines 2015 PMID 25741868. Collection method: clinical testing. Allele origin: germline.
Comment: This missense variant, located in exon 23 (of 32), is absent from gnomAD and has not been identified in the literature. However, it has been reported in ClinVar (accession VCV002090775.4). In silico analysis predicts that this variant has a deleterious effect. This gene has high tolerance to missense variation. According to the currently available evidence, this variant has been classified as uncertain significance (PM2_P, PP3_S, BP1).

Labcorp Genetics (formerly Invitae), Labcorp
Classification: Uncertain significance. Last evaluated: 2022-07-05. Review status: criteria provided, single submitter. Criteria: Invitae Variant Classification Sherloc (09022015). Collection method: clinical testing. Allele origin: germline.
Comment: Advanced modeling of protein sequence and biophysical properties (such as structural, functional, and spatial information, amino acid conservation, physicochemical variation, residue mobility, and thermodynamic stability) performed at Invitae indicates that this missense variant is expected to disrupt COL9A3 protein function. In summary, the available evidence is currently insufficient to determine the role of this variant in disease. Therefore, it has been classified as a Variant of Uncertain Significance. This variant has not been reported in the literature in individuals affected with COL9A3-related conditions. This variant is not present in population databases (gnomAD no frequency). This sequence change replaces glycine, which is neutral and non-polar, with alanine, which is neutral and non-polar, at codon 394 of the COL9A3 protein (p.Gly394Ala).